The following is an entry in ClinVar:

NM_017999.5(RNF31):c.1295G>T (p.Cys432Phe)

Gene: RNF31 (ring finger protein 31; plus strand). Cytogenetic location: 14q12.
Variant type: single nucleotide variant.
Coding change: c.1295G>T on transcript NM_017999.5 (MANE Select); coding-DNA position 1295, G replaced by T.
Protein change: p.Cys432Phe; replaces cysteine 432 with phenylalanine.
Molecular consequence: missense variant.
Genome position (GRCh38, 1-based): chr14:24,150,695, G>T. VCF-style: chr14-24150695-G-T. GRCh37 (hg19) VCF-style: chr14-24619904-G-T.
Other names: c.842G>T, p.Cys281Phe (NM_001310332.2); short protein forms C281F, C432F.
Identifiers: ClinVar variation 4719490 (VCV004719490.1).

ClinVar aggregate classification (germline): Uncertain significance (1 of 4 stars; one submission).

Submission:

Labcorp Genetics (formerly Invitae), Labcorp
Classification: Uncertain significance. Last evaluated: 2025-05-13. Review status: criteria provided, single submitter. Criteria: Invitae Variant Classification Sherloc (09022015). Collection method: clinical testing. Allele origin: germline.
Comment: This sequence change replaces cysteine, which is neutral and slightly polar, with phenylalanine, which is neutral and non-polar, at codon 432 of the RNF31 protein (p.Cys432Phe). This variant is not present in population databases (gnomAD no frequency). This variant has not been reported in the literature in individuals affected with RNF31-related conditions. An algorithm developed to predict the effect of missense changes on protein structure and function (PolyPhen-2) suggests that this variant is likely to be disruptive. In summary, the available evidence is currently insufficient to determine the role of this variant in disease. Therefore, it has been classified as a Variant of Uncertain Significance.